The following is an entry in ClinVar:

ClinVar aggregate classification (germline): Uncertain significance (1 of 4 stars; one submission).

Submission:

GeneDx
Classification: Uncertain significance. Last evaluated: 2025-06-11. Review status: criteria provided, single submitter. Criteria: GeneDx Variant Classification Process June 2021. Collection method: clinical testing. Allele origin: germline. Affected: yes.
Comment: Not observed at significant frequency in large population cohorts (gnomAD); In silico analysis supports that this missense variant has a deleterious effect on protein structure/function; Has not been previously published as pathogenic or benign to our knowledge

NM_001122955.4(BSCL2):c.1051A>G (p.Arg351Gly)

Genes: BSCL2 (BSCL2 lipid droplet biogenesis associated, seipin; minus strand), HNRNPUL2-BSCL2 (HNRNPUL2-BSCL2 readthrough (NMD candidate); minus strand). Cytogenetic location: 11q12.3.
Variant type: single nucleotide variant.
Coding change: c.1051A>G on transcript NM_001122955.4 (MANE Select); coding-DNA position 1051, A replaced by G.
Protein change: p.Arg351Gly; replaces arginine 351 with glycine.
Molecular consequence: missense variant. On other transcripts: non-coding transcript variant (1), synonymous variant (1).
Genome position (GRCh38, 1-based): chr11:62,691,096, T>C on the plus strand (A>G on the coding strand, the complement: BSCL2 is on the minus strand). VCF-style: chr11-62691096-T-C. GRCh37 (hg19) VCF-style: chr11-62458568-T-C.
Other names: c.717A>G, p.Glu239= (NM_001130702.2); c.1051A>G, p.Arg351Gly (NM_001386027.1, NM_001386028.1); c.859A>G, p.Arg287Gly (NM_032667.6); short protein forms R351G, R287G.
Identifiers: ClinVar variation 3393878 (VCV003393878.2).